The following is an entry in ClinVar:

ClinVar aggregate classification (germline): Uncertain significance (1 of 4 stars; one submission).

Submission:

Labcorp Genetics (formerly Invitae), Labcorp
Classification: Uncertain significance. Last evaluated: 2025-09-30. Review status: criteria provided, single submitter. Criteria: Invitae Variant Classification Sherloc (09022015). Collection method: clinical testing. Allele origin: germline.
Comment: This sequence change replaces serine, which is neutral and polar, with tyrosine, which is neutral and polar, at codon 862 of the SAMD9L protein (p.Ser862Tyr). This variant is not present in population databases (gnomAD no frequency). This variant has not been reported in the literature in individuals affected with SAMD9L-related conditions. Invitae Evidence Modeling of protein sequence and biophysical properties (such as structural, functional, and spatial information, amino acid conservation, physicochemical variation, residue mobility, and thermodynamic stability) indicates that this missense variant is expected to disrupt SAMD9L protein function with a positive predictive value of 80%. In summary, the available evidence is currently insufficient to determine the role of this variant in disease. Therefore, it has been classified as a Variant of Uncertain Significance.

NM_152703.5(SAMD9L):c.2585C>A (p.Ser862Tyr)

Gene: SAMD9L (sterile alpha motif domain containing 9 like; minus strand). Cytogenetic location: 7q21.2.
Variant type: single nucleotide variant.
Coding change: c.2585C>A on transcript NM_152703.5 (MANE Select); coding-DNA position 2585, C replaced by A.
Protein change: p.Ser862Tyr; replaces serine 862 with tyrosine.
Molecular consequence: missense variant.
Genome position (GRCh38, 1-based): chr7:93,133,387, G>T on the plus strand (C>A on the coding strand, the complement: SAMD9L is on the minus strand). VCF-style: chr7-93133387-G-T. GRCh37 (hg19) VCF-style: chr7-92762700-G-T.
Other names: c.2585C>A, p.Ser862Tyr (NM_001303496.3, NM_001303497.3, NM_001303498.3 and 5 more transcripts); short protein forms S862Y.
Identifiers: ClinVar variation 4741107 (VCV004741107.1).
Genomic context (GRCh38, chr7:93,133,387, plus strand): 5'-TTCTTGTGCTGCTTTTCAATTTCCTTCAGTTTGGCACCAAAAGCTCTTTGTTCCTTGGAA[G>T]AAAGTTGGTAATTTAGTGCAATACTGTCTGCCAATTTTGCACTTTCATCTGGATTCCGGG-3'
Protein context (NP_689916.2, residues 852-872): ADSIALNYQL[Ser862Tyr]SKEQRAFGAK